The following is an entry in ClinVar:

ClinVar aggregate classification (germline): Uncertain significance (1 of 4 stars; one submission).

Allele frequency attached by ClinVar (database versions not stated): TOPMed below 0.00001; gnomAD 0.00001.
gnomAD v4.1: 2 of 1,612,292 alleles (0.00012%); highest among the groups gnomAD compares: Non-Finnish European, 0.00017%; no homozygotes.

Submission:

Labcorp Genetics (formerly Invitae), Labcorp
Classification: Uncertain significance. Last evaluated: 2024-02-17. Review status: criteria provided, single submitter. Criteria: Invitae Variant Classification Sherloc (09022015). Collection method: clinical testing. Allele origin: germline.
Comment: This sequence change replaces glutamic acid, which is acidic and polar, with glycine, which is neutral and non-polar, at codon 892 of the MYO7A protein (p.Glu892Gly). This variant is present in population databases (no rsID available, gnomAD 0.01%). This variant has not been reported in the literature in individuals affected with MYO7A-related conditions. ClinVar contains an entry for this variant (Variation ID: 2177051). Advanced modeling of protein sequence and biophysical properties (such as structural, functional, and spatial information, amino acid conservation, physicochemical variation, residue mobility, and thermodynamic stability) has been performed at Invitae for this missense variant, however the output from this modeling did not meet the statistical confidence thresholds required to predict the impact of this variant on MYO7A protein function. In summary, the available evidence is currently insufficient to determine the role of this variant in disease. Therefore, it has been classified as a Variant of Uncertain Significance.

NM_000260.4(MYO7A):c.2675A>G (p.Glu892Gly)

Gene: MYO7A (myosin VIIA; plus strand). Cytogenetic location: 11q13.5.
Variant type: single nucleotide variant.
Coding change: c.2675A>G on transcript NM_000260.4 (MANE Select); coding-DNA position 2675, A replaced by G.
Protein change: p.Glu892Gly; replaces glutamic acid 892 with glycine.
Molecular consequence: missense variant.
Genome position (GRCh38, 1-based): chr11:77,180,462, A>G. VCF-style: chr11-77180462-A-G. GRCh37 (hg19) VCF-style: chr11-76891508-A-G.
Other names: c.2675A>G, p.Glu892Gly (NM_001127180.2); c.2642A>G, p.Glu881Gly (NM_001369365.1); short protein forms E881G, E892G.
Identifiers: ClinVar variation 2177051 (VCV002177051.3), dbSNP rs1399962269, ClinGen allele CA381942532.